The following is an entry in ClinVar:

ClinVar aggregate classification (germline): Uncertain significance (1 of 4 stars; one submission).

gnomAD v4.1: 4 of 1,613,832 alleles (0.00025%); highest among the groups gnomAD compares: Non-Finnish European, 0.00025%; no homozygotes.

Submission:

Quest Diagnostics Nichols Institute San Juan Capistrano
Classification: Uncertain significance. Last evaluated: 2024-03-19. Review status: criteria provided, single submitter. Criteria: Quest Diagnostics criteria. Collection method: clinical testing. Allele origin: unknown.
Comment: The APOB c.12741A>G (p.Gln4247=) synonymous variant has not been reported in individuals with APOB-related conditions in the published literature. It also has not been reported in large, multi-ethnic general populations (Genome Aggregation Database). Analysis of this variant using software algorithms for the prediction of the effect of nucleotide changes on APOB mRNA splicing yielded predictions that this variant may result in the gain of a cryptic splice site without affecting the natural splice sites. Based on the available information, we are unable to determine the clinical significance of this variant.

NM_000384.3(APOB):c.12741A>G (p.Gln4247=)

Gene: APOB (apolipoprotein B; minus strand). Cytogenetic location: 2p24.1.
Variant type: single nucleotide variant.
Coding change: c.12741A>G on transcript NM_000384.3 (MANE Select); coding-DNA position 12741, A replaced by G.
Protein change: p.Gln4247=; no amino-acid change (glutamine 4247 retained).
Molecular consequence: synonymous variant.
Genome position (GRCh38, 1-based): chr2:21,002,681, T>C on the plus strand (A>G on the coding strand, the complement: APOB is on the minus strand). VCF-style: chr2-21002681-T-C. GRCh37 (hg19) VCF-style: chr2-21225553-T-C.
Identifiers: ClinVar variation 3572066 (VCV003572066.1).